The following is an entry in ClinVar:

ClinVar aggregate classification (germline): Pathogenic/Likely pathogenic. Review status: criteria provided, multiple submitters, no conflicts (2 of 4 stars). 2 submissions from 2 submitters: Pathogenic (1); Likely pathogenic (1). Last evaluated 2024-03-25.

Conditions:
Holocarboxylase synthetase deficiency. Also called: MULTIPLE CARBOXYLASE DEFICIENCY, EARLY ONSET. Identifiers: Orphanet 79242, MedGen C0268581, MONDO:0009666, OMIM 253270.

Submissions (2):

Baylor Genetics
Classification: Likely pathogenic for Holocarboxylase synthetase deficiency. Last evaluated: 2024-03-25. Review status: criteria provided, single submitter. Criteria: ACMG Guidelines, 2015. Collection method: clinical testing. Allele origin: unknown.

Labcorp Genetics (formerly Invitae), Labcorp
Classification: Pathogenic for Holocarboxylase synthetase deficiency. Last evaluated: 2023-02-01. Review status: criteria provided, single submitter. Criteria: Invitae Variant Classification Sherloc (09022015). Collection method: clinical testing. Allele origin: germline.
Comment: This sequence change creates a premature translational stop signal (p.Tyr595Ilefs*10) in the HLCS gene. It is expected to result in an absent or disrupted protein product. Loss-of-function variants in HLCS are known to be pathogenic (PMID: 16134170). This variant is not present in population databases (gnomAD no frequency). This variant has not been reported in the literature in individuals affected with HLCS-related conditions. For these reasons, this variant has been classified as Pathogenic.

Literature cited by the submitters: PubMed 16134170 (cited by Labcorp Genetics (formerly Invitae), Labcorp).

NM_001352514.2(HLCS):c.2224del (p.Tyr742fs)

Gene: HLCS (holocarboxylase synthetase; minus strand). Cytogenetic location: 21q22.13.
Variant type: Deletion.
Coding change: c.2224del on transcript NM_001352514.2 (MANE Select); coding-DNA position 2224, one base deleted (T; older notation c.2224delT).
Protein change: p.Tyr742fs; shifts the reading frame from tyrosine 742.
Molecular consequence: frameshift variant. On other transcripts: non-coding transcript variant (2).
Genome position (GRCh38, 1-based): chr21:36,759,739, A deleted on the plus strand (T on the coding strand, the reverse complement: HLCS is on the minus strand); the first of 4 consecutive A bases (chr21:36,759,739-36,759,742); deleting any one gives the same sequence. VCF-style (leftmost placement, unchanged base first): chr21-36759738-TA-T. GRCh37 (hg19) VCF-style: chr21-38132039-TA-T.
Other names: c.1783del, p.Tyr595fs (NM_000411.8, NM_001242784.3, NM_001242785.2 and 4 more transcripts); short protein forms Y595fs, Y742fs.
Identifiers: ClinVar variation 2780984 (VCV002780984.4), dbSNP rs2516853033, ClinGen allele CA2577486793.